The following is an entry in ClinVar:

NM_213599.3(ANO5):c.2030-3C>A

Gene: ANO5 (anoctamin 5; plus strand). Cytogenetic location: 11p14.3.
Variant type: single nucleotide variant.
Coding change: c.2030-3C>A on transcript NM_213599.3 (MANE Select); 3 bases into the intron before coding-DNA position 2030, C replaced by A.
Molecular consequence: intron variant.
Genome position (GRCh38, 1-based): chr11:22,272,781, C>A. VCF-style: chr11-22272781-C-A. GRCh37 (hg19) VCF-style: chr11-22294327-C-A.
Other names: c.2027-3C>A (NM_001142649.2).
Identifiers: ClinVar variation 283548 (VCV000283548.13), dbSNP rs752534913, ClinGen allele CA10604525.

ClinVar aggregate classification (germline): Conflicting classifications of pathogenicity. Review status: criteria provided, conflicting classifications (1 of 4 stars). 2 submissions from 2 submitters: Pathogenic (1); Uncertain significance (1). Last evaluated 2026-01-09.

Conditions:
Gnathodiaphyseal dysplasia (GDD). Also called: GNATHODIAPHYSEAL SCLEROSIS; OSTEOGENESIS IMPERFECTA WITH UNUSUAL SKELETAL LESIONS. Identifiers: Orphanet 53697, MedGen C1833736, MONDO:0008151, OMIM 166260.
Autosomal recessive limb-girdle muscular dystrophy type 2L (LGMDR12). Also called: Limb-girdle muscular dystrophy, type 2L; Limb-Girdle Muscular Dystrophy R12 Anoctamin-5-Related (LGMD-R12); MUSCULAR DYSTROPHY, LIMB-GIRDLE, AUTOSOMAL RECESSIVE 12. Identifiers: Orphanet 206549, MedGen C1969785, MONDO:0012652, OMIM 611307.

Allele frequency attached by ClinVar (database versions not stated): TOPMed 0.00001; gnomAD 0.00002.
gnomAD v4.1: 9 of 1,612,992 alleles (0.00056%); highest among the groups gnomAD compares: Admixed American, 0.005%; no homozygotes.

Submissions (2):

Labcorp Genetics (formerly Invitae), Labcorp
Classification: Pathogenic for Autosomal recessive limb-girdle muscular dystrophy type 2L; Gnathodiaphyseal dysplasia. Last evaluated: 2026-01-09. Review status: criteria provided, single submitter. Criteria: Invitae Variant Classification Sherloc (09022015). Collection method: clinical testing. Allele origin: germline.
Comment: This sequence change falls in intron 18 of the ANO5 gene. It does not directly change the encoded amino acid sequence of the ANO5 protein. It affects a nucleotide within the consensus splice site. This variant is present in population databases (no rsID available, gnomAD 0.003%). This variant has been observed in individual(s) with autosomal recessive limb-girdle muscular dystrophy (PMID: 35032046; internal data). In at least one individual the data is consistent with being in trans (on the opposite chromosome) from a pathogenic variant. ClinVar contains an entry for this variant (Variation ID: 283548). Variants that disrupt the consensus splice site are a relatively common cause of aberrant splicing (PMID: 17576681, 9536098). Algorithms developed to predict the effect of sequence changes on RNA splicing suggest that this variant may disrupt the consensus splice site. For these reasons, this variant has been classified as Pathogenic.

Eurofins Ntd Llc (ga)
Classification: Uncertain significance. Last evaluated: 2015-10-06. Review status: criteria provided, single submitter. Criteria: EGL Classification Definitions 2015. Collection method: clinical testing. Allele origin: germline. Observed: 1 variant allele, 1 heterozygote.

Literature cited by the submitters: PubMed 35032046 (cited by Labcorp Genetics (formerly Invitae), Labcorp); PubMed 17576681 (cited by Labcorp Genetics (formerly Invitae), Labcorp); PubMed 9536098 (cited by Labcorp Genetics (formerly Invitae), Labcorp).